The following is an entry in ClinVar:

NM_000069.3(CACNA1S):c.1983G>A (p.Val661=)

Gene: CACNA1S (calcium voltage-gated channel subunit alpha1 S; minus strand). Cytogenetic location: 1q32.1.
Variant type: single nucleotide variant.
Coding change: c.1983G>A on transcript NM_000069.3 (MANE Select); coding-DNA position 1983, G replaced by A.
Protein change: p.Val661=; no amino-acid change (valine 661 retained).
Molecular consequence: synonymous variant.
Genome position (GRCh38, 1-based): chr1:201,074,586, C>T on the plus strand (G>A on the coding strand, the complement: CACNA1S is on the minus strand). VCF-style: chr1-201074586-C-T. GRCh37 (hg19) VCF-style: chr1-201043714-C-T.
Identifiers: ClinVar variation 2925328 (VCV002925328.5), dbSNP rs763510435, ClinGen allele CA078736.

ClinVar aggregate classification (germline): Conflicting classifications of pathogenicity. Review status: criteria provided, conflicting classifications (1 of 4 stars). 3 submissions from 3 submitters: Uncertain significance (1); Likely benign (2). Last evaluated 2026-07-01.

Conditions:
Hypokalemic periodic paralysis, type 1. Also called: Hypokalemic Periodic Paralysis Type 1 (AD); HypoPP. Identifiers: Orphanet 681, MedGen C3714580, MONDO:0042979, OMIM 170400.
Malignant hyperthermia, susceptibility to, 5 (MHS5). Also called: CACNA1S-Related Malignant Hyperthermia Susceptibility. Identifiers: Orphanet 423, MedGen C1866077, MONDO:0011163, OMIM 601887.

Allele frequency attached by ClinVar (database versions not stated): gnomAD 0.00001; TOPMed 0.00001; ExAC 0.00002; gnomAD exomes 0.00004.
gnomAD v4.1: 53 of 1,613,716 alleles (0.0033%); highest among the groups gnomAD compares: Non-Finnish European, 0.0045%; no homozygotes.

Submissions (3):

Institute of Human Genetics, University of Leipzig Medical Center
Classification: Likely benign for Hypokalemic periodic paralysis, type 1. Last evaluated: 2026-07-01. Review status: criteria provided, single submitter. Criteria: ACMG Guidelines, 2015. Collection method: clinical testing. Allele origin: unknown. Inheritance: Autosomal dominant inheritance. Affected: yes.
Comment: Criteria applied: BS1,PP3,PP4

Color Diagnostics, LLC DBA Color Health
Classification: Uncertain significance for Malignant hyperthermia, susceptibility to, 5. Last evaluated: 2025-06-02. Review status: criteria provided, single submitter. Criteria: ACMG Guidelines, 2015. Collection method: clinical testing. Allele origin: germline.
Comment: This synonymous variant causes a G>A nucleotide change in exon 14 of the CACNA1S gene. Splice site prediction tools suggest that this variant may impact RNA splicing. To our knowledge, functional studies have not been reported for this variant. This variant has not been reported in individuals affected with CACNA1S-related disorders in the literature. This variant has been identified in 6/251026 chromosomes in the general population by the Genome Aggregation Database (gnomAD). The available evidence is insufficient to determine the role of this variant in disease conclusively. Therefore, this variant is classified as a Variant of Uncertain Significance.

Labcorp Genetics (formerly Invitae), Labcorp
Classification: Likely benign for Hypokalemic periodic paralysis, type 1; Malignant hyperthermia, susceptibility to, 5. Last evaluated: 2024-01-02. Review status: criteria provided, single submitter. Criteria: Invitae Variant Classification Sherloc (09022015). Collection method: clinical testing. Allele origin: germline.